The following is an entry in ClinVar:

NM_020066.5(FMN2):c.791C>T (p.Pro264Leu)

Gene: FMN2 (formin 2; plus strand). Cytogenetic location: 1q43.
Variant type: single nucleotide variant.
Coding change: c.791C>T on transcript NM_020066.5 (MANE Select); coding-DNA position 791, C replaced by T.
Protein change: p.Pro264Leu; replaces proline 264 with leucine.
Molecular consequence: missense variant.
Genome position (GRCh38, 1-based): chr1:240,092,900, C>T. VCF-style: chr1-240092900-C-T. GRCh37 (hg19) VCF-style: chr1-240256200-C-T.
Other names: c.791C>T, p.Pro264Leu (NM_001305424.2, NM_001348094.2); short protein forms P264L.
Identifiers: ClinVar variation 3898966 (VCV003898966.1).
Genomic context (GRCh38, chr1:240,092,900, plus strand): 5'-GGGCCTTCCTGGGCCTGGACCGGTTCCTGCTGGGGCCGAGCGGCGGGGCTGGGGAGGCCC[C>T]GGGCAGTCCGGACACCGAGCAGGCGCTGTCCGCGCTCTCCGACCTGCCCGAGAGCCTGGC-3'
Protein context (NP_064450.3, residues 254-274): LGPSGGAGEA[Pro264Leu]GSPDTEQALS

ClinVar aggregate classification (germline): Uncertain significance (1 of 4 stars; one submission).

Submission:

GeneDx
Classification: Uncertain significance. Last evaluated: 2024-11-11. Review status: criteria provided, single submitter. Criteria: GeneDx Variant Classification Process June 2021. Collection method: clinical testing. Allele origin: germline. Affected: yes.
Comment: Not observed at significant frequency in large population cohorts (gnomAD); In silico analysis supports that this missense variant has a deleterious effect on protein structure/function; Has not been previously published as pathogenic or benign to our knowledge